The following is an entry in ClinVar:

ClinVar aggregate classification (germline): Uncertain significance. Review status: criteria provided, multiple submitters, no conflicts (2 of 4 stars). 2 submissions from 2 submitters: Uncertain significance (2). Last evaluated 2026-04-03.

Allele frequency attached by ClinVar (database versions not stated): ExAC 0.00007; 1000 Genomes Project 0.00040; 1000 Genomes Project 30x 0.00047; TOPMed below 0.00001; gnomAD 0.00003.
gnomAD v4.1: 55 of 1,613,870 alleles (0.0034%); highest among the groups gnomAD compares: South Asian, 0.058%; no homozygotes.

Submissions (2):

Women's Health and Genetics/Laboratory Corporation of America, LabCorp
Classification: Uncertain significance. Last evaluated: 2026-04-03. Review status: criteria provided, single submitter. Criteria: LabCorp Variant Classification Summary - May 2015. Collection method: clinical testing. Allele origin: germline.
Comment: Variant summary: COL10A1 c.1234C>A (p.Pro412Thr) results in a non-conservative amino acid change in the encoded protein sequence. Algorithms developed to predict the effect of missense changes on protein structure and function are either unavailable or do not agree on the potential impact of this missense change. The variant allele was found at a frequency of 7.6e-05 in 251312 control chromosomes. This frequency is not significantly higher than estimated for disease-causing variants in COL10A1, allowing no conclusion about variant significance. To our knowledge, no occurrence of c.1234C>A in individuals affected with COL10A1-related conditions and no experimental evidence demonstrating its impact on protein function have been reported. ClinVar contains an entry for this variant (Variation ID: 2187426). Based on the evidence outlined above, the variant was classified as uncertain significance.

Labcorp Genetics (formerly Invitae), Labcorp
Classification: Uncertain significance. Last evaluated: 2025-12-15. Review status: criteria provided, single submitter. Criteria: Invitae Variant Classification Sherloc (09022015). Collection method: clinical testing. Allele origin: germline.
Comment: This sequence change replaces proline, which is neutral and non-polar, with threonine, which is neutral and polar, at codon 412 of the COL10A1 protein (p.Pro412Thr). This variant is present in population databases (rs561913629, gnomAD 0.06%). This variant has not been reported in the literature in individuals affected with COL10A1-related conditions. ClinVar contains an entry for this variant (Variation ID: 2187426). Invitae Evidence Modeling of protein sequence and biophysical properties (such as structural, functional, and spatial information, amino acid conservation, physicochemical variation, residue mobility, and thermodynamic stability) has been performed for this missense variant. However, the output from this modeling did not meet the statistical confidence thresholds required to predict the impact of this variant on COL10A1 protein function. In summary, the available evidence is currently insufficient to determine the role of this variant in disease. Therefore, it has been classified as a Variant of Uncertain Significance.

NM_000493.4(COL10A1):c.1234C>A (p.Pro412Thr)

Genes: COL10A1 (collagen type X alpha 1 chain; minus strand), NT5DC1 (5'-nucleotidase domain containing 1; plus strand). Cytogenetic location: 6q22.1.
Variant type: single nucleotide variant.
Coding change: c.1234C>A on transcript NM_000493.4 (MANE Select); coding-DNA position 1234, C replaced by A.
Protein change: p.Pro412Thr; replaces proline 412 with threonine.
Molecular consequence: missense variant. On other transcripts: intron variant (1).
Genome position (GRCh38, 1-based): chr6:116,120,882, G>T on the plus strand (C>A on the coding strand, the complement: COL10A1 is on the minus strand). VCF-style: chr6-116120882-G-T. GRCh37 (hg19) VCF-style: chr6-116442045-G-T.
Other names: c.1234C>A, p.Pro412Thr (NM_001424106.1, NM_001424107.1); c.529+2937G>T (NM_152729.3); short protein forms P412T.
Identifiers: ClinVar variation 2187426 (VCV002187426.5), dbSNP rs561913629, ClinGen allele CA3968227.